The following is an entry in ClinVar:

NM_015896.4(ZMYND10):c.1115C>T (p.Ala372Val)

Gene: ZMYND10 (zinc finger MYND-type containing 10; minus strand). Cytogenetic location: 3p21.31.
Variant type: single nucleotide variant.
Coding change: c.1115C>T on transcript NM_015896.4 (MANE Select); coding-DNA position 1115, C replaced by T.
Protein change: p.Ala372Val; replaces alanine 372 with valine.
Molecular consequence: missense variant.
Genome position (GRCh38, 1-based): chr3:50,341,816, G>A on the plus strand (C>T on the coding strand, the complement: ZMYND10 is on the minus strand). VCF-style: chr3-50341816-G-A. GRCh37 (hg19) VCF-style: chr3-50379247-G-A.
Other names: c.1115C>T (NM_015896.3); c.1100C>T, p.Ala367Val (NM_001308379.2); short protein forms A372V, A367V.
Identifiers: ClinVar variation 2195466 (VCV002195466.7), dbSNP rs147472327, ClinGen allele CA2416995.

ClinVar aggregate classification (germline): Likely benign. Review status: criteria provided, single submitter (1 of 4 stars). 2 submissions from 2 submitters: Likely benign (1). 1 of the submissions does not count toward it. Last evaluated 2025-02-12.

Conditions:
ZMYND10-related disorder. Also called: ZMYND10-related condition.
Primary ciliary dyskinesia. Also called: Ciliary dyskinesia. Identifiers: Orphanet 244, MedGen C0008780, MONDO:0016575, HP:0012265.

Allele frequency attached by ClinVar (database versions not stated): gnomAD exomes 0.00003; TOPMed 0.00008; gnomAD 0.00009; ExAC 0.00025.

Submissions (3):

Labcorp Genetics (formerly Invitae), Labcorp
Classification: Likely benign for Primary ciliary dyskinesia. Last evaluated: 2025-02-12. Review status: criteria provided, single submitter. Criteria: Invitae Variant Classification Sherloc (09022015). Collection method: clinical testing. Allele origin: germline.

PreventionGenetics, part of Exact Sciences
Classification: Likely benign for ZMYND10-related condition. Last evaluated: 2023-01-10. Review status: no assertion criteria provided. Collection method: clinical testing. Allele origin: germline. Not counted in ClinVar's aggregate classification.
Comment: This variant is classified as likely benign based on ACMG/AMP sequence variant interpretation guidelines (Richards et al. 2015 PMID: 25741868, with internal and published modifications).

Dr. Peter K. Rogan Lab, Western University
No classification provided (evidence only). Condition: Adrenocortical carcinoma, hereditary. Review status: no classification provided. Collection method: in vitro. Allele origin: not applicable. Functional consequence: retained intron. Not counted in ClinVar's aggregate classification.